The following is an entry in ClinVar:

ClinVar aggregate classification (germline): Pathogenic (3 of 4 stars; one submission).

Conditions:
Breast-ovarian cancer, familial, susceptibility to, 2 (BROVCA2). Also called: BRCA2 Hereditary Breast and Ovarian Cancer. Identifiers: Orphanet 145, MedGen C2675520, MONDO:0012933, OMIM 612555. Disease mechanism: loss of function.

Submission:

Evidence-based Network for the Interpretation of Germline Mutant Alleles (ENIGMA)
Classification: Pathogenic for Breast-ovarian cancer, familial, susceptibility to, 2. Last evaluated: 2016-10-18. Review status: reviewed by expert panel. Criteria: ENIGMA BRCA1/2 Classification Criteria (2015). Collection method: curation. Allele origin: germline.
Comment: Variant allele predicted to encode a truncated non-functional protein.

NM_000059.4(BRCA2):c.610_613dup (p.Ser205delinsThrTer)

Gene: BRCA2 (BRCA2 DNA repair associated; plus strand). Cytogenetic location: 13q13.1.
Variant type: Duplication.
Coding change: c.610_613dup on transcript NM_000059.4 (MANE Select); coding-DNA positions 610 to 613, 4 bases duplicated (CTTA; older notation c.610_613dupCTTA).
Protein change: p.Ser205delinsThrTer.
Molecular consequence: nonsense.
Genome position (GRCh38, 1-based): chr13:32,326,592-32,326,595, CTTA duplicated. VCF-style (leftmost placement, unchanged base first): chr13-32326591-C-CCTTA. GRCh37 (hg19) VCF-style: chr13-32900728-C-CCTTA.
Other names: 841ins4; c.610_613dupCTTA (NM_000059.3).
Identifiers: ClinVar variation 52014 (VCV000052014.5), dbSNP rs397507830, ClinGen allele CA023689.